The following is an entry in ClinVar:

NM_001374353.1(GLI2):c.3928C>T (p.His1310Tyr)

Gene: GLI2 (GLI family zinc finger 2; plus strand). Cytogenetic location: 2q14.2.
Variant type: single nucleotide variant.
Coding change: c.3928C>T on transcript NM_001374353.1 (MANE Select); coding-DNA position 3928, C replaced by T.
Protein change: p.His1310Tyr; replaces histidine 1310 with tyrosine.
Molecular consequence: missense variant.
Genome position (GRCh38, 1-based): chr2:120,989,893, C>T. VCF-style: chr2-120989893-C-T. GRCh37 (hg19) VCF-style: chr2-121747469-C-T.
Other names: c.3979C>T, p.His1327Tyr (NM_001371271.1, NM_005270.5); c.3553C>T, p.His1185Tyr (NM_001374354.1); short protein forms H1185Y, H1327Y, H1310Y.
Identifiers: ClinVar variation 5000484 (VCV005000484.1).

ClinVar aggregate classification (germline): Uncertain significance (1 of 4 stars; one submission).

Conditions:
GLI2-related disorder. Also called: GLI2-related condition; GLI2-related disorders.

Submission:

PreventionGenetics, part of Exact Sciences
Classification: Uncertain significance for GLI2-related condition. Last evaluated: 2025-03-31. Review status: criteria provided, single submitter. Criteria: ACMG Guidelines, 2015. Collection method: clinical testing. Allele origin: germline.
Comment: The GLI2 c.3979C>T variant is predicted to result in the amino acid substitution p.His1327Tyr. To our knowledge, this variant has not been reported in the literature or in a large population database (gnomAD), indicating this variant is rare. At this time, the clinical significance of this variant is uncertain due to the absence of conclusive functional and genetic evidence.